The following is an entry in ClinVar:

ClinVar aggregate classification (germline): Uncertain significance. Review status: criteria provided, multiple submitters, no conflicts (2 of 4 stars). 2 submissions from 2 submitters: Uncertain significance (2). Last evaluated 2025-12-03.

Conditions:
Arrhythmogenic right ventricular dysplasia 10. Also called: ARRHYTHMOGENIC RIGHT VENTRICULAR DYSPLASIA, FAMILIAL, 10; Arrhythmogenic Right Ventricular Dysplasia/Cardiomyopathy10; Arrhythmogenic right ventricular dysplasia/cardiomyopathy, type 10. Identifiers: MedGen C1857777, MONDO:0012434, OMIM 610193.
Cardiovascular phenotype. Identifiers: MedGen CN230736.

Submissions (2):

Labcorp Genetics (formerly Invitae), Labcorp
Classification: Uncertain significance for Arrhythmogenic right ventricular dysplasia 10. Last evaluated: 2025-12-03. Review status: criteria provided, single submitter. Criteria: Invitae Variant Classification Sherloc (09022015). Collection method: clinical testing. Allele origin: germline.
Comment: This sequence change replaces glycine, which is neutral and non-polar, with arginine, which is basic and polar, at codon 91 of the DSG2 protein (p.Gly91Arg). This variant is not present in population databases (gnomAD no frequency). This variant has not been reported in the literature in individuals affected with DSG2-related conditions. ClinVar contains an entry for this variant (Variation ID: 2625502). Invitae Evidence Modeling of protein sequence and biophysical properties (such as structural, functional, and spatial information, amino acid conservation, physicochemical variation, residue mobility, and thermodynamic stability) has been performed for this missense variant. However, the output from this modeling did not meet the statistical confidence thresholds required to predict the impact of this variant on DSG2 protein function. In summary, the available evidence is currently insufficient to determine the role of this variant in disease. Therefore, it has been classified as a Variant of Uncertain Significance.

Ambry Genetics
Classification: Uncertain significance for Cardiovascular phenotype. Last evaluated: 2025-01-21. Review status: criteria provided, single submitter. Criteria: Ambry Variant Classification Scheme 2023. Collection method: clinical testing. Allele origin: germline.

NM_001943.5(DSG2):c.271G>A (p.Gly91Arg)

Gene: DSG2 (desmoglein 2; plus strand). Cytogenetic location: 18q12.1.
Variant type: single nucleotide variant.
Coding change: c.271G>A on transcript NM_001943.5 (MANE Select); coding-DNA position 271, G replaced by A.
Protein change: p.Gly91Arg; replaces glycine 91 with arginine.
Molecular consequence: missense variant.
Genome position (GRCh38, 1-based): chr18:31,520,857, G>A. VCF-style: chr18-31520857-G-A. GRCh37 (hg19) VCF-style: chr18-29100820-G-A.
Other names: short protein forms G91R.
Identifiers: ClinVar variation 2625502 (VCV002625502.4), dbSNP rs760186356, ClinGen allele CA402131394.